The following is an entry in ClinVar:

NM_014319.5(LEMD3):c.2023+4T>C

Gene: LEMD3 (LEM domain containing 3; plus strand). Cytogenetic location: 12q14.3.
Variant type: single nucleotide variant.
Coding change: c.2023+4T>C on transcript NM_014319.5 (MANE Select); 4 bases into the intron after coding-DNA position 2023, T replaced by C.
Molecular consequence: intron variant.
Genome position (GRCh38, 1-based): chr12:65,240,034, T>C. VCF-style: chr12-65240034-T-C. GRCh37 (hg19) VCF-style: chr12-65633814-T-C.
Other names: c.2020+4T>C (NM_001167614.2).
Identifiers: ClinVar variation 2093054 (VCV002093054.4), dbSNP rs1317186703, ClinGen allele CA2580086649.

ClinVar aggregate classification (germline): Uncertain significance (1 of 4 stars; one submission).

gnomAD v4.1: 2 of 1,586,342 alleles (0.00013%); highest among the groups gnomAD compares: Non-Finnish European, 0.00017%; no homozygotes.

Submission:

Labcorp Genetics (formerly Invitae), Labcorp
Classification: Uncertain significance. Last evaluated: 2023-08-04. Review status: criteria provided, single submitter. Criteria: Invitae Variant Classification Sherloc (09022015). Collection method: clinical testing. Allele origin: germline.
Comment: ClinVar contains an entry for this variant (Variation ID: 2093054). This variant has not been reported in the literature in individuals affected with LEMD3-related conditions. This variant is not present in population databases (gnomAD no frequency). This sequence change falls in intron 7 of the LEMD3 gene. It does not directly change the encoded amino acid sequence of the LEMD3 protein. It affects a nucleotide within the consensus splice site. In summary, the available evidence is currently insufficient to determine the role of this variant in disease. Therefore, it has been classified as a Variant of Uncertain Significance. Variants that disrupt the consensus splice site are a relatively common cause of aberrant splicing (PMID: 17576681, 9536098). Algorithms developed to predict the effect of sequence changes on RNA splicing suggest that this variant is not likely to affect RNA splicing.

Literature cited by the submitters: PubMed 17576681; PubMed 9536098.